The following is an entry in ClinVar:

NM_001365902.3(NFIX):c.822del (p.Thr275fs)

Gene: NFIX (nuclear factor I X; plus strand). Cytogenetic location: 19p13.13.
Variant type: Deletion.
Coding change: c.822del on transcript NM_001365902.3 (MANE Select); coding-DNA position 822, one base deleted (C; older notation c.822delC).
Protein change: p.Thr275fs; shifts the reading frame from threonine 275.
Molecular consequence: frameshift variant.
Genome position (GRCh38, 1-based): chr19:13,075,538, C deleted; the last of 2 consecutive C bases (chr19:13,075,537-13,075,538); deleting either gives the same sequence. VCF-style (leftmost placement, unchanged base first): chr19-13075536-AC-A. GRCh37 (hg19) VCF-style: chr19-13186350-AC-A.
Other names: c.846del, p.Thr283fs (NM_001271043.2); c.798del, p.Thr267fs (NM_001271044.3, NM_001378404.1); c.822del, p.Thr275fs (NM_001365982.2, NM_002501.4); c.681del, p.Thr228fs (NM_001365983.2); c.819del, p.Thr274fs (NM_001365984.2, NM_001365985.2); c.870del, p.Thr291fs (NM_001378405.1); c.821del (NM_001365902.3); short protein forms T228fs, T267fs, T274fs, T275fs, T283fs, T291fs.
Identifiers: ClinVar variation 3075698 (VCV003075698.2), dbSNP rs2512951618, ClinGen allele CA2825002751.

ClinVar aggregate classification (germline): Pathogenic (1 of 4 stars; one submission).

Conditions:
Malan overgrowth syndrome (MALNS). Also called: Sotos syndrome 2; MALAN SYNDROME; NFIX-Related Malan Syndrome. Identifiers: Orphanet 420179, MedGen C3553660, MONDO:0013885, OMIM 614753.

Submission:

Cytogenetics and Molecular Genetics Section, Pathology Unit, BARC Hospital, Bhabha Atomic Research Centre
Classification: Pathogenic for Malan overgrowth syndrome. Review status: criteria provided, single submitter. Criteria: ACMG Guidelines, 2015. Collection method: research. Allele origin: germline. Inheritance: Autosomal dominant inheritance. Affected: yes. Observed: 1 heterozygote.
Comment: The NFIX protein plays an essential role in brain and muscle development as well as skeletogenesis. Loss of the protein causes Macrocephaly, intellectual disability, hypotonia speech delay and Autism like phenotype

Literature cited by the submitters: DOI 10.1038/ejhg.2014.162.